The following is an entry in ClinVar:

ClinVar aggregate classification (germline): Uncertain significance. Review status: criteria provided, multiple submitters, no conflicts (2 of 4 stars). 2 submissions from 2 submitters: Uncertain significance (2). Last evaluated 2025-08-04.

Conditions:
Cardiomyopathy (CMYO). Also called: Cardiomyopathies. Identifiers: Orphanet 167848, MedGen C0878544, MONDO:0004994, HP:0001638. Inheritance: Various modes of inheritance.
Arrhythmogenic cardiomyopathy with wooly hair and keratoderma. Also called: PALMOPLANTAR KERATODERMA WITH LEFT VENTRICULAR CARDIOMYOPATHY AND WOOLLY HAIR; Dilated cardiomyopathy with woolly hair and keratoderma; Arrhythmogenic cardiomyopathy with woolly hair and keratoderma; Carvajal syndrome. Identifiers: Orphanet 65282, MedGen C1854063, MONDO:0011581, OMIM 605676.
Arrhythmogenic right ventricular dysplasia 8 (ARVD8). Also called: ARRHYTHMOGENIC RIGHT VENTRICULAR DYSPLASIA, FAMILIAL, 8; ARRHYTHMOGENIC RIGHT VENTRICULAR CARDIOMYOPATHY 8; Arrhythmogenic Right Ventricular Dysplasia/Cardiomyopathy 8. Identifiers: MedGen C1843896, MONDO:0011831, OMIM 607450.

Submissions (2):

Color Diagnostics, LLC DBA Color Health
Classification: Uncertain significance for Cardiomyopathy. Last evaluated: 2025-08-04. Review status: criteria provided, single submitter. Criteria: ACMG Guidelines, 2015. Collection method: clinical testing. Allele origin: germline.
Comment: This missense variant replaces arginine with serine at codon 141 of the DSP protein. Computational prediction suggests that this variant may not impact protein structure and function. To our knowledge, functional studies have not been reported for this variant. This variant has been reported in an individual affected with left ventricular noncompaction cardiomyopathy (PMID: 33500567). This variant has not been identified in the general population by the Genome Aggregation Database (gnomAD). The available evidence is insufficient to determine the role of this variant in disease conclusively. Therefore, this variant is classified as a Variant of Uncertain Significance.

Labcorp Genetics (formerly Invitae), Labcorp
Classification: Uncertain significance for Arrhythmogenic cardiomyopathy with wooly hair and keratoderma; Arrhythmogenic right ventricular dysplasia 8. Last evaluated: 2021-08-27. Review status: criteria provided, single submitter. Criteria: Invitae Variant Classification Sherloc (09022015). Collection method: clinical testing. Allele origin: germline.
Comment: This sequence change replaces arginine with serine at codon 141 of the DSP protein (p.Arg141Ser). The arginine residue is moderately conserved and there is a moderate physicochemical difference between arginine and serine. This variant is not present in population databases (ExAC no frequency). This variant has not been reported in the literature in individuals affected with DSP-related conditions. Algorithms developed to predict the effect of missense changes on protein structure and function (SIFT, PolyPhen-2, Align-GVGD) all suggest that this variant is likely to be tolerated. In summary, the available evidence is currently insufficient to determine the role of this variant in disease. Therefore, it has been classified as a Variant of Uncertain Significance.

Literature cited by the submitters: PubMed 33500567 (cited by Color Diagnostics, LLC DBA Color Health).

NM_004415.4(DSP):c.423G>T (p.Arg141Ser)

Gene: DSP (desmoplakin; plus strand). Cytogenetic location: 6p24.3.
Variant type: single nucleotide variant.
Coding change: c.423G>T on transcript NM_004415.4 (MANE Select); coding-DNA position 423, G replaced by T.
Protein change: p.Arg141Ser; replaces arginine 141 with serine.
Molecular consequence: missense variant.
Genome position (GRCh38, 1-based): chr6:7,559,226, G>T. VCF-style: chr6-7559226-G-T. GRCh37 (hg19) VCF-style: chr6-7559459-G-T.
Other names: c.423G>T, p.Arg141Ser (NM_001008844.3, NM_001319034.2, NM_001406591.1); short protein forms R141S.
Identifiers: ClinVar variation 2140587 (VCV002140587.2), dbSNP rs771688614, ClinGen allele CA362671946.